The following is an entry in ClinVar:

NM_000257.4(MYH7):c.1A>G (p.Met1Val)

Gene: MYH7 (myosin heavy chain 7; minus strand). Cytogenetic location: 14q11.2.
Variant type: single nucleotide variant.
Coding change: c.1A>G on transcript NM_000257.4 (MANE Select); coding-DNA position 1, A replaced by G.
Protein change: p.Met1Val; changes the start codon (methionine 1).
Molecular consequence: missense variant, initiator codon variant.
Genome position (GRCh38, 1-based): chr14:23,433,732, T>C on the plus strand (A>G on the coding strand, the complement: MYH7 is on the minus strand). VCF-style: chr14-23433732-T-C. GRCh37 (hg19) VCF-style: chr14-23902941-T-C.
Other names: short protein forms M1V.
Identifiers: ClinVar variation 863942 (VCV000863942.13), dbSNP rs139250539, ClinGen allele CA257826994.

ClinVar aggregate classification (germline): Uncertain significance. Review status: criteria provided, multiple submitters, no conflicts (2 of 4 stars). 2 submissions from 2 submitters: Uncertain significance (2). Last evaluated 2025-04-03.

Conditions:
Cardiovascular phenotype. Identifiers: MedGen CN230736.
Hypertrophic cardiomyopathy. Also called: HYPERTROPHIC MYOCARDIOPATHY. Identifiers: Orphanet 217569, MedGen C0007194, MeSH D002312, MONDO:0005045, HP:0001639.

Allele frequency attached by ClinVar (database versions not stated): TOPMed below 0.00001; ESP Exome Variant Server 0.00008.

Submissions (2):

Ambry Genetics
Classification: Uncertain significance for Cardiovascular phenotype. Last evaluated: 2025-04-03. Review status: criteria provided, single submitter. Criteria: Ambry Variant Classification Scheme 2023. Collection method: clinical testing. Allele origin: germline.
Comment: The p.M1? variant (also known as c.1A>G) is located in coding exon 1 of the MYH7 gene and results from an A to G substitution at nucleotide position 1. This alters the methionine residue at the initiation codon (ATG). This variant was reported in individual(s) with features consistent with hypertrophic cardiomyopathy (HCM) (Ambry internal data). This amino acid position is highly conserved in available vertebrate species. Sequence variations that modify the initiation codon are expected to result in either loss of translation initiation, N-terminal truncation, or cause a shift in the mRNA reading frame. However, loss of function of MYH7 has not been established as a mechanism of disease. Since supporting evidence is limited at this time, the clinical significance of this alteration remains unclear.

Labcorp Genetics (formerly Invitae), Labcorp
Classification: Uncertain significance for Hypertrophic cardiomyopathy. Last evaluated: 2022-06-13. Review status: criteria provided, single submitter. Criteria: Invitae Variant Classification Sherloc (09022015). Collection method: clinical testing. Allele origin: germline.
Comment: In summary, the available evidence is currently insufficient to determine the role of this variant in disease. Therefore, it has been classified as a Variant of Uncertain Significance. Experimental studies and prediction algorithms are not available or were not evaluated, and the functional significance of this variant is currently unknown. ClinVar contains an entry for this variant (Variation ID: 863942). This variant has not been reported in the literature in individuals affected with MYH7-related conditions. This variant is not present in population databases (gnomAD no frequency). This sequence change affects the initiator methionine of the MYH7 mRNA. The next in-frame methionine is located at codon 6.